The following is an entry in ClinVar:

NM_002018.4(FLII):c.477C>T (p.Ser159=)

Gene: FLII (FLII actin remodeling protein; minus strand). Cytogenetic location: 17p11.2.
Variant type: single nucleotide variant.
Coding change: c.477C>T on transcript NM_002018.4 (MANE Select); coding-DNA position 477, C replaced by T.
Protein change: p.Ser159=; no amino-acid change (serine 159 retained).
Molecular consequence: synonymous variant. On other transcripts: intron variant (1).
Genome position (GRCh38, 1-based): chr17:18,254,619, G>A on the plus strand (C>T on the coding strand, the complement: FLII is on the minus strand). VCF-style: chr17-18254619-G-A. GRCh37 (hg19) VCF-style: chr17-18157933-G-A.
Other names: c.444C>T, p.Ser148= (NM_001256264.2); c.413+150C>T (NM_001256265.2); c.477C>T (NM_002018.2).
Identifiers: ClinVar variation 2647549 (VCV002647549.25), dbSNP rs549259584, ClinGen allele CA8428842.

ClinVar aggregate classification (germline): Likely benign. Review status: criteria provided, multiple submitters, no conflicts (2 of 4 stars). 2 submissions from 2 submitters: Likely benign (2). Last evaluated 2025-07-02.

Allele frequency attached by ClinVar (database versions not stated): gnomAD exomes 0.00001; TOPMed 0.00001; ExAC 0.00002; gnomAD 0.00002; 1000 Genomes Project 30x 0.00016; 1000 Genomes Project 0.00020.

Submissions (2):

Ambry Genetics
Classification: Likely benign. Last evaluated: 2025-07-02. Review status: criteria provided, single submitter. Criteria: Ambry Variant Classification Scheme 2023. Collection method: clinical testing. Allele origin: germline.

CeGaT Center for Human Genetics Tuebingen
Classification: Likely benign. Last evaluated: 2022-09-01. Review status: criteria provided, single submitter. Criteria: CeGaT Center For Human Genetics Tuebingen Variant Classification Criteria Version 2. Collection method: clinical testing. Allele origin: germline. Affected: yes. Observed: 1 variant allele.
Comment: FLII: BP4, BP7